The following is an entry in ClinVar:

NM_144631.6(ZNF513):c.1165C>T (p.Arg389Cys)

Gene: ZNF513 (zinc finger protein 513; minus strand). Cytogenetic location: 2p23.3.
Variant type: single nucleotide variant.
Coding change: c.1165C>T on transcript NM_144631.6 (MANE Select); coding-DNA position 1165, C replaced by T.
Protein change: p.Arg389Cys; replaces arginine 389 with cysteine.
Molecular consequence: missense variant.
Genome position (GRCh38, 1-based): chr2:27,378,006, G>A on the plus strand (C>T on the coding strand, the complement: ZNF513 is on the minus strand). VCF-style: chr2-27378006-G-A. GRCh37 (hg19) VCF-style: chr2-27600873-G-A.
Other names: c.979C>T, p.Arg327Cys (NM_001201459.2); short protein forms R327C, R389C.
Identifiers: ClinVar variation 1481060 (VCV001481060.6), dbSNP rs755341945, ClinGen allele CA1577847.

ClinVar aggregate classification (germline): Uncertain significance (1 of 4 stars; one submission).

Allele frequency attached by ClinVar (database versions not stated): gnomAD exomes below 0.00001 and 0.00001; ExAC 0.00001; gnomAD 0.00001; TOPMed 0.00002.
gnomAD v4.1: 6 of 1,612,638 alleles (0.00037%); highest among the groups gnomAD compares: East Asian, 0.0022%; no homozygotes.

Submission:

Labcorp Genetics (formerly Invitae), Labcorp
Classification: Uncertain significance. Last evaluated: 2021-11-02. Review status: criteria provided, single submitter. Criteria: Invitae Variant Classification Sherloc (09022015). Collection method: clinical testing. Allele origin: germline.
Comment: This sequence change replaces arginine, which is basic and polar, with cysteine, which is neutral and slightly polar, at codon 389 of the ZNF513 protein (p.Arg389Cys). This variant is present in population databases (rs755341945, gnomAD 0.006%). This variant has not been reported in the literature in individuals affected with ZNF513-related conditions. Algorithms developed to predict the effect of missense changes on protein structure and function are either unavailable or do not agree on the potential impact of this missense change (SIFT: "Deleterious"; PolyPhen-2: "Benign"; Align-GVGD: "Class C65"). In summary, the available evidence is currently insufficient to determine the role of this variant in disease. Therefore, it has been classified as a Variant of Uncertain Significance.